The following is an entry in ClinVar:

ClinVar aggregate classification (germline): Uncertain significance (1 of 4 stars; one submission).

Allele frequency attached by ClinVar (database versions not stated): gnomAD 0.00001.
gnomAD v4.1: 4 of 1,611,076 alleles (0.00025%); highest among the groups gnomAD compares: South Asian, 0.0044%; no homozygotes.

Submission:

Labcorp Genetics (formerly Invitae), Labcorp
Classification: Uncertain significance. Last evaluated: 2023-10-13. Review status: criteria provided, single submitter. Criteria: Invitae Variant Classification Sherloc (09022015). Collection method: clinical testing. Allele origin: germline.
Comment: This sequence change replaces glycine, which is neutral and non-polar, with cysteine, which is neutral and slightly polar, at codon 673 of the RUSC2 protein (p.Gly673Cys). This variant is not present in population databases (gnomAD no frequency). This variant has not been reported in the literature in individuals affected with RUSC2-related conditions. ClinVar contains an entry for this variant (Variation ID: 2099453). An algorithm developed to predict the effect of missense changes on protein structure and function (PolyPhen-2) suggests that this variant is likely to be disruptive. In summary, the available evidence is currently insufficient to determine the role of this variant in disease. Therefore, it has been classified as a Variant of Uncertain Significance.

NM_014806.5(RUSC2):c.2017G>T (p.Gly673Cys)

Gene: RUSC2 (RUN and SH3 domain containing 2; plus strand). Cytogenetic location: 9p13.3.
Variant type: single nucleotide variant.
Coding change: c.2017G>T on transcript NM_014806.5 (MANE Select); coding-DNA position 2017, G replaced by T.
Protein change: p.Gly673Cys; replaces glycine 673 with cysteine.
Molecular consequence: missense variant. On other transcripts: 5 prime UTR variant (1), non-coding transcript variant (1).
Genome position (GRCh38, 1-based): chr9:35,555,062, G>T. VCF-style: chr9-35555062-G-T. GRCh37 (hg19) VCF-style: chr9-35555059-G-T.
Other names: c.2017G>T, p.Gly673Cys (NM_001135999.2); c.-618G>T (NM_001330740.2); short protein forms G673C.
Identifiers: ClinVar variation 2099453 (VCV002099453.4), dbSNP rs1821979867, ClinGen allele CA373339121.